The following is an entry in ClinVar:

ClinVar aggregate classification (germline): Benign/Likely benign. Review status: criteria provided, multiple submitters, no conflicts (2 of 4 stars). 12 submissions from 12 submitters: Benign (9); Likely benign (1). 2 of the submissions do not count toward it. Last evaluated 2026-02-04.

Conditions:
Fanconi anemia (FA). Also called: Fanconi's anemia. Identifiers: Orphanet 84, MedGen C0015625, MeSH D005199, MONDO:0019391.
Fanconi anemia complementation group A (FANCA). Also called: FANCA-Related Fanconi Anemia; Fanconi anemia, group A. Identifiers: Orphanet 84, MedGen C3469521, MONDO:0009215, OMIM 227650.

Allele frequency attached by ClinVar (database versions not stated): 1000 Genomes Project 30x 0.04076; 1000 Genomes Project 0.04193; ESP Exome Variant Server 0.04996; TOPMed 0.05999; gnomAD 0.06478 and 0.06490; ExAC 0.12519.

Submissions (12):

Labcorp Genetics (formerly Invitae), Labcorp
Classification: Benign for Fanconi anemia. Last evaluated: 2026-02-04. Review status: criteria provided, single submitter. Criteria: Invitae Variant Classification Sherloc (09022015). Collection method: clinical testing. Allele origin: germline.

ARUP Laboratories, Molecular Genetics and Genomics, ARUP Laboratories
Classification: Benign for Fanconi anemia complementation group A. Last evaluated: 2025-07-18. Review status: criteria provided, single submitter. Criteria: ARUP Molecular Germline Variant Investigation Process 2024. Collection method: clinical testing. Allele origin: germline.

GeneKor MSA
Classification: Benign for Fanconi anemia complementation group A. Last evaluated: 2025-07-10. Review status: criteria provided, single submitter. Criteria: ACMG Guidelines, 2015. Collection method: clinical testing. Allele origin: germline.

Blueprint Genetics
Classification: Likely benign. Last evaluated: 2024-11-27. Review status: criteria provided, single submitter. Criteria: ACMG Guidelines, 2015. Collection method: clinical testing. Allele origin: germline.

KCCC/NGS Laboratory, Kuwait Cancer Control Center
Classification: Benign for Fanconi anemia complementation group A. Last evaluated: 2023-07-07. Review status: criteria provided, single submitter. Criteria: ACMG Guidelines, 2015. Collection method: clinical testing. Allele origin: germline. Affected: yes.

Mayo Clinic Laboratories, Mayo Clinic
Classification: Benign. Last evaluated: 2022-09-06. Review status: criteria provided, single submitter. Criteria: ACMG Guidelines, 2015. Collection method: clinical testing. Allele origin: germline. Observed: 212 variant alleles.

GeneDx
Classification: Benign. Last evaluated: 2019-02-11. Review status: criteria provided, single submitter. Criteria: GeneDx Variant Classification Process June 2021. Collection method: clinical testing. Allele origin: germline. Affected: yes.

Illumina Laboratory Services, Illumina
Classification: Benign for Fanconi anemia complementation group A. Last evaluated: 2018-01-13. Review status: criteria provided, single submitter. Criteria: ICSL Variant Classification Criteria 13 December 2019. Collection method: clinical testing. Allele origin: germline.
Comment: This variant was observed in the ICSL laboratory as part of a predisposition screen in an ostensibly healthy population. It had not been previously curated by ICSL or reported in the Human Gene Mutation Database (HGMD: prior to June 1st, 2018), and was therefore a candidate for classification through an automated scoring system. Utilizing variant allele frequency, disease prevalence and penetrance estimates, and inheritance mode, an automated score was calculated to assess if this variant is too frequent to cause the disease. Based on the score and internal cut-off values, a variant classified as benign is not then subjected to further curation. The score for this variant resulted in a classification of benign for this disease.

Breakthrough Genomics
Classification: Benign. Review status: criteria provided, single submitter. Criteria: ACMG Guidelines, 2015. Collection method: not provided. Allele origin: germline. Inheritance: Autosomal recessive inheritance. Affected: yes.

PreventionGenetics, part of Exact Sciences
Classification: Benign. Review status: criteria provided, single submitter. Criteria: ACMG Guidelines, 2015. Collection method: clinical testing. Allele origin: germline.

Natera, Inc.
Classification: Benign for Fanconi anemia, group A. Last evaluated: 2020-09-16. Review status: no assertion criteria provided. Collection method: clinical testing. Allele origin: germline. Not counted in ClinVar's aggregate classification.

ITMI
No classification provided. Condition: AllHighlyPenetrant. Last evaluated: 2013-09-19. Review status: no classification provided. Collection method: reference population. Allele origin: germline. Not counted in ClinVar's aggregate classification.
Comment: Please see associated publication for description of ethnicities

Literature cited by the submitters: PubMed 24728327 (cited by ITMI).

NM_000135.4(FANCA):c.17T>A (p.Val6Asp)

Genes: FANCA (FA complementation group A; minus strand), LOC112486223 (Sharpr-MPRA regulatory region 3988; plus strand). Cytogenetic location: 16q24.3.
Variant type: single nucleotide variant.
Coding change: c.17T>A on transcript NM_000135.4 (MANE Select); coding-DNA position 17, T replaced by A.
Protein change: p.Val6Asp; replaces valine 6 with aspartic acid.
Molecular consequence: missense variant.
Genome position (GRCh38, 1-based): chr16:89,816,599, A>T on the plus strand (T>A on the coding strand, the complement: FANCA is on the minus strand). VCF-style: chr16-89816599-A-T. GRCh37 (hg19) VCF-style: chr16-89883007-A-T.
Other names: c.17T>A (LRG_495t1, NM_000135.3); c.17T>A, p.Val6Asp (NM_001018112.3, NM_001286167.3, NM_001351830.2); short protein forms V6D.
Identifiers: ClinVar variation 134237 (VCV000134237.34), dbSNP rs1800282, ClinGen allele CA159226.